The following is an entry in ClinVar:

NM_020297.4(ABCC9):c.2048G>A (p.Ser683Asn)

Gene: ABCC9 (ATP binding cassette subfamily C member 9; minus strand). Cytogenetic location: 12p12.1.
Variant type: single nucleotide variant.
Coding change: c.2048G>A on transcript NM_020297.4 (MANE Select); coding-DNA position 2048, G replaced by A.
Protein change: p.Ser683Asn; replaces serine 683 with asparagine.
Molecular consequence: missense variant.
Genome position (GRCh38, 1-based): chr12:21,875,698, C>T on the plus strand (G>A on the coding strand, the complement: ABCC9 is on the minus strand). VCF-style: chr12-21875698-C-T. GRCh37 (hg19) VCF-style: chr12-22028632-C-T.
Other names: c.2048G>A, p.Ser683Asn (NM_001377273.1, NM_005691.4); c.1184G>A, p.Ser395Asn (NM_001377274.1); short protein forms S395N, S683N.
Identifiers: ClinVar variation 1785002 (VCV001785002.5), dbSNP rs2541363926, ClinGen allele CA384134379.

ClinVar aggregate classification (germline): Uncertain significance. Review status: criteria provided, multiple submitters, no conflicts (2 of 4 stars). 2 submissions from 2 submitters: Uncertain significance (2). Last evaluated 2022-11-21.

Conditions:
Cardiovascular phenotype. Identifiers: MedGen CN230736.
Dilated cardiomyopathy 1O (CMD1O). Also called: CARDIOMYOPATHY, DILATED, WITH VENTRICULAR TACHYCARDIA. Identifiers: Orphanet 154, MedGen C1837839, MONDO:0012062, OMIM 608569.

Submissions (2):

Labcorp Genetics (formerly Invitae), Labcorp
Classification: Uncertain significance for Dilated cardiomyopathy 1O. Last evaluated: 2022-11-21. Review status: criteria provided, single submitter. Criteria: Invitae Variant Classification Sherloc (09022015). Collection method: clinical testing. Allele origin: germline.
Comment: This sequence change replaces serine, which is neutral and polar, with asparagine, which is neutral and polar, at codon 683 of the ABCC9 protein (p.Ser683Asn). In summary, the available evidence is currently insufficient to determine the role of this variant in disease. Therefore, it has been classified as a Variant of Uncertain Significance. Advanced modeling of protein sequence and biophysical properties (such as structural, functional, and spatial information, amino acid conservation, physicochemical variation, residue mobility, and thermodynamic stability) performed at Invitae indicates that this missense variant is not expected to disrupt ABCC9 protein function. This variant has not been reported in the literature in individuals affected with ABCC9-related conditions. This variant is not present in population databases (gnomAD no frequency).

Ambry Genetics
Classification: Uncertain significance for Cardiovascular phenotype. Last evaluated: 2022-06-21. Review status: criteria provided, single submitter. Criteria: Ambry Variant Classification Scheme 2023. Collection method: clinical testing. Allele origin: germline.
Comment: The p.S683N variant (also known as c.2048G>A), located in coding exon 15 of the ABCC9 gene, results from a G to A substitution at nucleotide position 2048. The serine at codon 683 is replaced by asparagine, an amino acid with highly similar properties. This amino acid position is well conserved in available vertebrate species. In addition, this alteration is predicted to be tolerated by in silico analysis. Since supporting evidence is limited at this time, the clinical significance of this alteration remains unclear.